The following is an entry in ClinVar:

NM_004415.4(DSP):c.4541T>C (p.Leu1514Pro)

Gene: DSP (desmoplakin; plus strand). Cytogenetic location: 6p24.3.
Variant type: single nucleotide variant.
Coding change: c.4541T>C on transcript NM_004415.4 (MANE Select); coding-DNA position 4541, T replaced by C.
Protein change: p.Leu1514Pro; replaces leucine 1514 with proline.
Molecular consequence: missense variant. On other transcripts: intron variant (2).
Genome position (GRCh38, 1-based): chr6:7,580,731, T>C. VCF-style: chr6-7580731-T-C. GRCh37 (hg19) VCF-style: chr6-7580964-T-C.
Other names: c.4050+491T>C (NM_001319034.2); c.3582+959T>C (NM_001008844.3); short protein forms L1514P.
Identifiers: ClinVar variation 523709 (VCV000523709.9), dbSNP rs1173680775, ClinGen allele CA362686539.

ClinVar aggregate classification (germline): Uncertain significance. Review status: criteria provided, multiple submitters, no conflicts (2 of 4 stars). 5 submissions from 5 submitters: Uncertain significance (5). Last evaluated 2025-02-17.

Conditions:
Cardiovascular phenotype. Identifiers: MedGen CN230736.
Arrhythmogenic cardiomyopathy with wooly hair and keratoderma. Also called: PALMOPLANTAR KERATODERMA WITH LEFT VENTRICULAR CARDIOMYOPATHY AND WOOLLY HAIR; Carvajal syndrome; Dilated cardiomyopathy with woolly hair and keratoderma; Arrhythmogenic cardiomyopathy with woolly hair and keratoderma. Identifiers: Orphanet 65282, MedGen C1854063, MONDO:0011581, OMIM 605676.
Cardiomyopathy (CMYO). Also called: Cardiomyopathies. Identifiers: Orphanet 167848, MedGen C0878544, MONDO:0004994, HP:0001638. Inheritance: Various modes of inheritance.
Arrhythmogenic right ventricular dysplasia 8 (ARVD8). Also called: Arrhythmogenic Right Ventricular Dysplasia/Cardiomyopathy 8; ARRHYTHMOGENIC RIGHT VENTRICULAR DYSPLASIA, FAMILIAL, 8; ARRHYTHMOGENIC RIGHT VENTRICULAR CARDIOMYOPATHY 8. Identifiers: MedGen C1843896, MONDO:0011831, OMIM 607450.
Woolly hair-skin fragility syndrome (WHSF). Identifiers: Orphanet 293165, MedGen C1843292, MONDO:0957307, OMIM 620415.
Keratosis palmoplantaris striata 2. Also called: Keratosis palmoplantaris striata II; KERATODERMA, PALMOPLANTAR, STRIATE FORM II; STRIATE PALMOPLANTAR KERATODERMA II. Identifiers: MedGen C1852127, MONDO:0013034, OMIM 612908.
Lethal acantholytic epidermolysis bullosa (EBLA). Identifiers: Orphanet 158687, MedGen C1864826, MONDO:0012323, OMIM 609638.
Cardiomyopathy, dilated, with wooly hair, keratoderma, and tooth agenesis. Also called: Erythrokeratodermia-cardiomyopathy syndrome; Cardiomyopathy, dilated, with woolly hair, keratoderma, and tooth agenesis. Identifiers: Orphanet 476096, Orphanet 65282, MedGen C4014393, MONDO:0014355, OMIM 615821.

Allele frequency attached by ClinVar (database versions not stated): gnomAD exomes below 0.00001.
gnomAD v4.1: 2 of 1,614,030 alleles (0.00012%); highest among the groups gnomAD compares: Non-Finnish European, 0.00017%; no homozygotes.

Submissions (5):

Molecular Diagnostic Laboratory for Inherited Cardiovascular Disease, Montreal Heart Institute
Classification: Uncertain significance for Cardiovascular phenotype. Last evaluated: 2025-02-17. Review status: criteria provided, single submitter. Criteria: ACMG Guidelines, 2015. Collection method: clinical testing. Allele origin: germline. Affected: yes.
Comment: PM2, PP3

Blueprint Genetics
Classification: Uncertain significance. Last evaluated: 2024-07-04. Review status: criteria provided, single submitter. Criteria: ACMG Guidelines, 2015. Collection method: clinical testing. Allele origin: germline.

All of Us Research Program, National Institutes of Health
Classification: Uncertain significance for Arrhythmogenic cardiomyopathy with wooly hair and keratoderma. Last evaluated: 2024-05-14. Review status: criteria provided, single submitter. Criteria: ACMG Guidelines, 2015. Collection method: clinical testing. Allele origin: germline. Inheritance: Autosomal dominant inheritance. Observed: 2 variant alleles, 2 heterozygotes.
Comment: This missense variant replaces leucine with proline at codon 1514 of the DSP protein. Computational prediction is inconclusive regarding the impact of this variant on protein structure and function (internally defined REVEL score threshold 0.5 < inconclusive < 0.7, PMID: 27666373). To our knowledge, functional studies have not been reported for this variant. This variant has not been reported in individuals affected with cardiovascular disorders in the literature. This variant has been identified in 1/250044 chromosomes in the general population by the Genome Aggregation Database (gnomAD). The available evidence is insufficient to determine the role of this variant in disease conclusively. Therefore, this variant is classified as a Variant of Uncertain Significance.

This study involves interpretation of variants in research participants for the purpose of population health screening. Participant phenotype was not available at the time of variant classification. Additional details can be found in publication PMID: 35346344, PMCID: PMC8962531

Color Diagnostics, LLC DBA Color Health
Classification: Uncertain significance for Cardiomyopathy. Last evaluated: 2024-05-03. Review status: criteria provided, single submitter. Criteria: ACMG Guidelines, 2015. Collection method: clinical testing. Allele origin: germline.
Comment: This missense variant replaces leucine with proline at codon 1514 of the DSP protein. Computational prediction is inconclusive regarding the impact of this variant on protein structure and function (internally defined REVEL score threshold 0.5 < inconclusive < 0.7, PMID: 27666373). To our knowledge, functional studies have not been reported for this variant. This variant has not been reported in individuals affected with cardiovascular disorders in the literature. This variant has been identified in 1/250044 chromosomes in the general population by the Genome Aggregation Database (gnomAD). The available evidence is insufficient to determine the role of this variant in disease conclusively. Therefore, this variant is classified as a Variant of Uncertain Significance.

Fulgent Genetics
Classification: Uncertain significance for Arrhythmogenic cardiomyopathy with wooly hair and keratoderma; Arrhythmogenic right ventricular dysplasia 8; Lethal acantholytic epidermolysis bullosa; Keratosis palmoplantaris striata 2; Cardiomyopathy, dilated, with wooly hair, keratoderma, and tooth agenesis. Last evaluated: 2021-08-16. Review status: criteria provided, single submitter. Criteria: ACMG Guidelines, 2015. Collection method: clinical testing. Allele origin: unknown.